The following is an entry in ClinVar:

NM_022124.6(CDH23):c.9326G>A (p.Arg3109His)

Gene: CDH23 (cadherin related 23; plus strand). Cytogenetic location: 10q22.1.
Variant type: single nucleotide variant.
Coding change: c.9326G>A on transcript NM_022124.6 (MANE Select); coding-DNA position 9326, G replaced by A.
Protein change: p.Arg3109His; replaces arginine 3109 with histidine.
Molecular consequence: missense variant. On other transcripts: 5 prime UTR variant (2).
Genome position (GRCh38, 1-based): chr10:71,811,961, G>A. VCF-style: chr10-71811961-G-A. GRCh37 (hg19) VCF-style: chr10-73571718-G-A.
Other names: c.2606G>A, p.Arg869His (NM_001171933.1, NM_001171934.1); c.-331G>A (NM_001171935.1, NM_001171936.1); short protein forms R3109H, R869H.
Identifiers: ClinVar variation 178314 (VCV000178314.30), dbSNP rs200188029, ClinGen allele CA182090.

ClinVar aggregate classification (germline): Uncertain significance. Review status: criteria provided, multiple submitters, no conflicts (2 of 4 stars). 10 submissions from 9 submitters: Uncertain significance (8). 2 of the submissions do not count toward it. Last evaluated 2025-02-01.

Conditions:
Autosomal recessive nonsyndromic hearing loss 12. Also called: DEAFNESS, AUTOSOMAL RECESSIVE 12. Identifiers: Orphanet 90636, MedGen C1832394, MONDO:0011067, OMIM 601386.
Usher syndrome type 1D (USH1D). Also called: USHER SYNDROME, TYPE ID. Identifiers: Orphanet 231169, Orphanet 886, MedGen C1832845, MONDO:0010984, OMIM 601067.
Pituitary adenoma 5, multiple types. Identifiers: MedGen C4539685, MONDO:0054601, OMIM 617540.
Retinal dystrophy. Also called: Inherited retinal dystrophy. Identifiers: Orphanet 71862, MedGen C0854723, MeSH D058499, MONDO:0019118, HP:0000556.
Usher syndrome type 1 (USH1). Also called: RETINITIS PIGMENTOSA AND CONGENITAL DEAFNESS. Identifiers: Orphanet 231169, Orphanet 886, MedGen C1568247, MONDO:0010168, OMIM 276900.

Allele frequency attached by ClinVar (database versions not stated): TOPMed 0.00015; gnomAD 0.00017 and 0.00019; gnomAD exomes 0.00022; ESP Exome Variant Server 0.00024; ExAC 0.00026.
gnomAD v4.1: 299 of 1,607,702 alleles (0.019%); highest among the groups gnomAD compares: Non-Finnish European, 0.023%; 1 homozygote.

Submissions (10):

CeGaT Center for Human Genetics Tuebingen
Classification: Uncertain significance. Last evaluated: 2025-02-01. Review status: criteria provided, single submitter. Criteria: CeGaT Center For Human Genetics Tuebingen Variant Classification Criteria Version 2. Collection method: clinical testing. Allele origin: germline. Affected: yes. Observed: 1 variant allele.

Blueprint Genetics
Classification: Uncertain significance. Last evaluated: 2024-11-11. Review status: criteria provided, single submitter. Criteria: ACMG Guidelines, 2015. Collection method: clinical testing. Allele origin: germline.

GeneDx
Classification: Uncertain significance. Last evaluated: 2024-09-05. Review status: criteria provided, single submitter. Criteria: GeneDx Variant Classification Process June 2021. Collection method: clinical testing. Allele origin: germline. Affected: yes.
Comment: In silico analysis indicates that this missense variant does not alter protein structure/function; Has not been previously published as pathogenic or benign to our knowledge

Labcorp Genetics (formerly Invitae), Labcorp
Classification: Uncertain significance. Last evaluated: 2022-10-25. Review status: criteria provided, single submitter. Criteria: Invitae Variant Classification Sherloc (09022015). Collection method: clinical testing. Allele origin: germline.
Comment: This sequence change replaces arginine, which is basic and polar, with histidine, which is basic and polar, at codon 3109 of the CDH23 protein (p.Arg3109His). This variant is present in population databases (rs200188029, gnomAD 0.04%). This variant has not been reported in the literature in individuals affected with CDH23-related conditions. ClinVar contains an entry for this variant (Variation ID: 178314). Advanced modeling of protein sequence and biophysical properties (such as structural, functional, and spatial information, amino acid conservation, physicochemical variation, residue mobility, and thermodynamic stability) performed at Invitae indicates that this missense variant is not expected to disrupt CDH23 protein function. In summary, the available evidence is currently insufficient to determine the role of this variant in disease. Therefore, it has been classified as a Variant of Uncertain Significance.

Fulgent Genetics
Classification: Uncertain significance for Usher syndrome type 1D; Autosomal recessive nonsyndromic hearing loss 12; Pituitary adenoma 5, multiple types. Last evaluated: 2021-08-17. Review status: criteria provided, single submitter. Criteria: ACMG Guidelines, 2015. Collection method: clinical testing. Allele origin: unknown.

Illumina Laboratory Services, Illumina
Classification: Uncertain significance for Autosomal recessive nonsyndromic hearing loss 12. Last evaluated: 2018-01-13. Review status: criteria provided, single submitter. Criteria: ICSL Variant Classification Criteria 13 December 2019. Collection method: clinical testing. Allele origin: germline.

Illumina Laboratory Services, Illumina
Classification: Uncertain significance for Usher syndrome type 1D. Last evaluated: 2018-01-13. Review status: criteria provided, single submitter. Criteria: ICSL Variant Classification Criteria 13 December 2019. Collection method: clinical testing. Allele origin: germline.

Laboratory for Molecular Medicine, Mass General Brigham Personalized Medicine
Classification: Uncertain significance. Last evaluated: 2014-02-04. Review status: criteria provided, single submitter. Criteria: LMM Criteria. Collection method: clinical testing. Allele origin: germline. Observed: 1 variant allele.
Comment: The Arg3109His variant in CDH23 has not been previously reported in individuals with hearing loss, but has been identified in 0.04% (3/8324) of European America n chromosomes by the NHLBI Exome Sequencing Project (u/EVS/; dbSNP rs200188029). Although this variant has been seen in the general p opulation, its frequency is not high enough to rule out a pathogenic role. Compu tational analyses (biochemical amino acid properties, conservation, AlignGVGD, P olyPhen2, and SIFT) do not provide strong support for or against an impact to th e protein. In summary, additional information is needed to determine the clinica l significance of this variant.

Institute of Human Genetics, Univ. Regensburg, Univ. Regensburg
Classification: Uncertain significance for Retinal dystrophy. Last evaluated: 2022-01-01. Review status: no assertion criteria provided. Criteria: ACMG Guidelines, 2015. Collection method: clinical testing. Allele origin: germline. Affected: yes. Not counted in ClinVar's aggregate classification.

Natera, Inc.
Classification: Uncertain significance for Usher syndrome type 1. Last evaluated: 2020-09-16. Review status: no assertion criteria provided. Collection method: clinical testing. Allele origin: germline. Not counted in ClinVar's aggregate classification.